The following is an entry in ClinVar:

NM_001164508.2(NEB):c.24700dup (p.Ala8234fs)

Genes: NEB (nebulin; minus strand), RIF1 (replication timing regulatory factor 1; plus strand). Cytogenetic location: 2q23.3.
Variant type: Duplication.
Coding change: c.24700dup on transcript NM_001164508.2 (MANE Select); coding-DNA position 24700, one base duplicated (G; older notation c.24700dupG).
Protein change: p.Ala8234fs; shifts the reading frame from alanine 8234.
Molecular consequence: frameshift variant.
Genome position (GRCh38, 1-based): chr2:151,493,418, C duplicated on the plus strand (G on the coding strand, the reverse complement: NEB is on the minus strand). VCF-style (leftmost placement, unchanged base first): chr2-151493417-G-GC. GRCh37 (hg19) VCF-style: chr2-152349931-G-GC.
Other names: c.24700dup, p.Ala8234fs (NM_001164507.2); c.24805dup, p.Ala8269fs (NM_001271208.2); c.19132dup, p.Ala6378fs (NM_004543.5); short protein forms A6378fs, A8234fs, A8269fs.
Identifiers: ClinVar variation 5012183 (VCV005012183.1).

ClinVar aggregate classification (germline): Pathogenic (1 of 4 stars; one submission).

Conditions:
Nemaline myopathy 2 (NEM2). Also called: Nemaline myopathy 2, autosomal recessive. Identifiers: MedGen C1850569, MONDO:0009725, OMIM 256030.

Submission:

Myriad Genetics, Inc.
Classification: Pathogenic for Nemaline myopathy 2. Last evaluated: 2023-09-27. Review status: criteria provided, single submitter. Criteria: Myriad Autosomal Dominant, Autosomal Recessive and X-Linked Classification Criteria (2023). Collection method: clinical testing. Allele origin: unknown.
Comment: NM_001271208.1(NEB):c.24805dupG(A8269Gfs*14) is expected to be pathogenic in the context of NEB-related nemaline myopathy. This variant is predicted to lead to an abnormal or absent protein product due to the creation of a premature termination codon in NEB, a gene where loss-of-function variants are known to be pathogenic. Please note: this variant was assessed in the context of healthy population screening.